The following is an entry in ClinVar:

ClinVar aggregate classification (germline): Likely benign (1 of 4 stars; one submission).

Conditions:
Multiple endocrine neoplasia, type 2 (MEN2). Identifiers: Orphanet 653, MedGen C4048306, MONDO:0019003. Disease mechanism: gain of function.

Submission:

All of Us Research Program, National Institutes of Health
Classification: Likely benign for Multiple endocrine neoplasia, type 2. Last evaluated: 2024-02-22. Review status: criteria provided, single submitter. Criteria: ACMG Guidelines, 2015. Collection method: clinical testing. Allele origin: germline. Inheritance: Autosomal dominant inheritance. Observed: 1 variant allele, 1 heterozygote.
Comment: This study involves interpretation of variants in research participants for the purpose of population health screening. Participant phenotype was not available at the time of variant classification. Additional details can be found in publication PMID: 35346344, PMCID: PMC8962531

NM_020975.6(RET):c.1599C>T (p.Gly533=)

Gene: RET (ret proto-oncogene; plus strand). Cytogenetic location: 10q11.21.
Variant type: single nucleotide variant.
Coding change: c.1599C>T on transcript NM_020975.6 (MANE Select); coding-DNA position 1599, C replaced by T.
Protein change: p.Gly533=; no amino-acid change (glycine 533 retained).
Molecular consequence: synonymous variant.
Genome position (GRCh38, 1-based): chr10:43,112,175, C>T. VCF-style: chr10-43112175-C-T. GRCh37 (hg19) VCF-style: chr10-43607623-C-T.
Other names: c.837C>T, p.Gly279= (NM_001355216.2); c.1599C>T, p.Gly533= (NM_001406743.1, NM_001406744.1, NM_001406759.1 and 4 more transcripts); c.1470C>T, p.Gly490= (NM_001406761.1, NM_001406762.1, NM_001406764.1 and 1 more transcripts); c.1311C>T, p.Gly437= (NM_001406766.1, NM_001406767.1, NM_001406770.1); c.1203C>T, p.Gly401= (NM_001406769.1, NM_001406772.1); c.1161C>T, p.Gly387= (NM_001406771.1, NM_001406773.1); c.1074C>T, p.Gly358= (NM_001406774.1); c.873C>T, p.Gly291= (NM_001406775.1, NM_001406776.1, NM_001406777.1 and 1 more transcripts); and 5 more.
Identifiers: ClinVar variation 3387595 (VCV003387595.1).